The following is an entry in ClinVar:

NM_012330.4(KAT6B):c.281G>A (p.Gly94Glu)

Gene: KAT6B (lysine acetyltransferase 6B; plus strand). Cytogenetic location: 10q22.2.
Variant type: single nucleotide variant.
Coding change: c.281G>A on transcript NM_012330.4 (MANE Select); coding-DNA position 281, G replaced by A.
Protein change: p.Gly94Glu; replaces glycine 94 with glutamic acid.
Molecular consequence: missense variant. On other transcripts: 5 prime UTR variant (2).
Genome position (GRCh38, 1-based): chr10:74,843,138, G>A. VCF-style: chr10-74843138-G-A. GRCh37 (hg19) VCF-style: chr10-76602896-G-A.
Other names: c.281G>A (NM_012330.2); c.281G>A, p.Gly94Glu (NM_001256468.2, NM_001256469.2, NM_001370132.1 and 10 more transcripts); c.-258G>A (NM_001370134.1, NM_001370135.1); short protein forms G94E.
Identifiers: ClinVar variation 1475096 (VCV001475096.9), dbSNP rs370028079, ClinGen allele CA5564186.

ClinVar aggregate classification (germline): Conflicting classifications of pathogenicity. Review status: criteria provided, conflicting classifications (1 of 4 stars). 2 submissions from 2 submitters: Uncertain significance (1); Likely benign (1). Last evaluated 2025-05-13.

Conditions:
Genitopatellar syndrome (GTPTS). Also called: Genitopatellar syndrome (GPS); ABSENT PATELLAE, SCROTAL HYPOPLASIA, RENAL ANOMALIES, FACIAL DYSMORPHISM, AND MENTAL RETARDATION. Identifiers: Orphanet 85201, MedGen C1853566, MONDO:0011640, OMIM 606170.
Inborn genetic diseases. Identifiers: MedGen C0950123, MeSH D030342.

Allele frequency attached by ClinVar (database versions not stated): gnomAD exomes 0.00001 and 0.00002; ExAC 0.00002; ESP Exome Variant Server 0.00008.
gnomAD v4.1: 18 of 1,614,038 alleles (0.0011%); highest among the groups gnomAD compares: Admixed American, 0.01%; no homozygotes.

Submissions (2):

Labcorp Genetics (formerly Invitae), Labcorp
Classification: Uncertain significance for Genitopatellar syndrome. Last evaluated: 2025-05-13. Review status: criteria provided, single submitter. Criteria: Invitae Variant Classification Sherloc (09022015). Collection method: clinical testing. Allele origin: germline.
Comment: This sequence change replaces glycine, which is neutral and non-polar, with glutamic acid, which is acidic and polar, at codon 94 of the KAT6B protein (p.Gly94Glu). This variant is present in population databases (rs370028079, gnomAD 0.009%). This variant has not been reported in the literature in individuals affected with KAT6B-related conditions. ClinVar contains an entry for this variant (Variation ID: 1475096). An algorithm developed to predict the effect of missense changes on protein structure and function (PolyPhen-2) suggests that this variant is likely to be tolerated. In summary, the available evidence is currently insufficient to determine the role of this variant in disease. Therefore, it has been classified as a Variant of Uncertain Significance.

Ambry Genetics
Classification: Likely benign for Inborn genetic diseases. Last evaluated: 2025-02-18. Review status: criteria provided, single submitter. Criteria: Ambry Variant Classification Scheme 2023. Collection method: clinical testing. Allele origin: germline.